The following is an entry in ClinVar:

NM_004984.4(KIF5A):c.501+6A>C

Gene: KIF5A (kinesin family member 5A; plus strand). Cytogenetic location: 12q13.3.
Variant type: single nucleotide variant.
Coding change: c.501+6A>C on transcript NM_004984.4 (MANE Select); 6 bases into the intron after coding-DNA position 501, A replaced by C.
Molecular consequence: intron variant.
Genome position (GRCh38, 1-based): chr12:57,564,979, A>C. VCF-style: chr12-57564979-A-C. GRCh37 (hg19) VCF-style: chr12-57958762-A-C.
Other names: c.234+6A>C (NM_001354705.2).
Identifiers: ClinVar variation 1403139 (VCV001403139.6), dbSNP rs2140159703, ClinGen allele CA2573148859.

ClinVar aggregate classification (germline): Uncertain significance (1 of 4 stars; one submission).

Conditions:
Spastic paraplegia. Identifiers: MedGen C0037772, HP:0001258.

Allele frequency attached by ClinVar (database versions not stated): gnomAD exomes below 0.00001.
gnomAD v4.1: 5 of 1,613,860 alleles (0.00031%); highest among the groups gnomAD compares: Non-Finnish European, 0.00034%; no homozygotes.

Submission:

Labcorp Genetics (formerly Invitae), Labcorp
Classification: Uncertain significance for Spastic paraplegia. Last evaluated: 2021-08-22. Review status: criteria provided, single submitter. Criteria: Invitae Variant Classification Sherloc (09022015). Collection method: clinical testing. Allele origin: germline.
Comment: In summary, the available evidence is currently insufficient to determine the role of this variant in disease. Therefore, it has been classified as a Variant of Uncertain Significance. Nucleotide substitutions within the consensus splice site are a relatively common cause of aberrant splicing (PMID: 17576681, 9536098). Algorithms developed to predict the effect of sequence changes on RNA splicing suggest that this variant is not likely to affect RNA splicing, but this prediction has not been confirmed by published transcriptional studies. This variant has not been reported in the literature in individuals with KIF5A-related conditions. This variant is not present in population databases (ExAC no frequency). This sequence change falls in intron 6 of the KIF5A gene. It does not directly change the encoded amino acid sequence of the KIF5A protein. It affects a nucleotide within the consensus splice site of the intron.

Literature cited by the submitters: PubMed 17576681; PubMed 9536098.